The following is an entry in ClinVar:

ClinVar aggregate classification (germline): Pathogenic/Likely pathogenic. Review status: criteria provided, multiple submitters, no conflicts (2 of 4 stars). 2 submissions from 2 submitters: Pathogenic (1); Likely pathogenic (1). Last evaluated 2021-02-23.

Conditions:
TTLL5-related disorder. Also called: TTLL5-related condition.

Submissions (2):

Labcorp Genetics (formerly Invitae), Labcorp
Classification: Pathogenic. Last evaluated: 2021-02-23. Review status: criteria provided, single submitter. Criteria: Invitae Variant Classification Sherloc (09022015). Collection method: clinical testing. Allele origin: germline.
Comment: For these reasons, this variant has been classified as Pathogenic. This variant has not been reported in the literature in individuals with TTLL5-related conditions. This variant is not present in population databases (ExAC no frequency). This sequence change creates a premature translational stop signal (p.Glu764Thrfs*4) in the TTLL5 gene. It is expected to result in an absent or disrupted protein product. Loss-of-function variants in TTLL5 are known to be pathogenic (PMID: 24791901, 27162334).

Blueprint Genetics
Classification: Likely pathogenic for TTLL5-related disorders. Last evaluated: 2019-11-05. Review status: criteria provided, single submitter. Criteria: ACMG Guidelines, 2015. Collection method: clinical testing. Allele origin: germline. Affected: yes. Observed: 1 variant allele.

Literature cited by the submitters: PubMed 24791901 (cited by Labcorp Genetics (formerly Invitae), Labcorp); PubMed 27162334 (cited by Labcorp Genetics (formerly Invitae), Labcorp).

NM_015072.5(TTLL5):c.2290_2291del (p.Glu764fs)

Gene: TTLL5 (tubulin tyrosine ligase like 5; plus strand). Cytogenetic location: 14q24.3.
Variant type: Deletion.
Coding change: c.2290_2291del on transcript NM_015072.5 (MANE Select); coding-DNA positions 2290 to 2291, 2 bases deleted (GA; older notation c.2290_2291delGA).
Protein change: p.Glu764fs; shifts the reading frame from glutamic acid 764.
Molecular consequence: frameshift variant.
Genome position (GRCh38, 1-based): chr14:75,776,753-75,776,754, GA deleted; deleting any 2 consecutive bases within chr14:75,776,752-75,776,754 gives the same sequence; the c. name uses the placement nearest the transcript's 3' end. VCF-style (leftmost placement, unchanged base first): chr14-75776751-CAG-C. GRCh37 (hg19) VCF-style: chr14-76243094-CAG-C.
Other names: short protein forms E764fs.
Identifiers: ClinVar variation 1456225 (VCV001456225.7), dbSNP rs2140319419, ClinGen allele CA2573150218.
Genomic context (GRCh38, chr14:75,776,751, plus strand): 5'-TTATTAGGAGTCAGTTTTATCTTGTTGTTTTTCTGTGGGGTTTGGGCACTGGGTAGGAAA[CAG>C]AACAAATGGCTGAAAAGAAATCAAAGAAGAAAGTTGAGGAAGAAGAGGAAGATGGGGTGA-3'